The following is an entry in ClinVar:

NM_001379500.1(COL18A1):c.107-11722C>T

Gene: COL18A1 (collagen type XVIII alpha 1 chain; plus strand). Cytogenetic location: 21q22.3.
Variant type: single nucleotide variant.
Coding change: c.107-11722C>T on transcript NM_001379500.1 (MANE Select); 11722 bases into the intron before coding-DNA position 107, C replaced by T.
Molecular consequence: intron variant. On other transcripts: synonymous variant (1).
Genome position (GRCh38, 1-based): chr21:45,456,520, C>T. VCF-style: chr21-45456520-C-T. GRCh37 (hg19) VCF-style: chr21-46876434-C-T.
Other names: c.990C>T, p.Pro330= (NM_130444.3); c.646+344C>T (NM_030582.4).
Identifiers: ClinVar variation 4980613 (VCV004980613.2).
Genomic context (GRCh38, chr21:45,456,520, plus strand): 5'-CTCTGTGGGGCCGGGTCTTGCTAATAACTCTGCCCTGCTCGGGGCTGACCCCGAGGCCCC[C>T]GCCGGTCGCTGCCTGCCCCTGCCACCCTCCCTGCCAGTCTGCGGCCACCTGGGCATCTCA-3'

ClinVar aggregate classification (germline): Likely benign. Review status: criteria provided, multiple submitters, no conflicts (2 of 4 stars). 2 submissions from 2 submitters: Likely benign (2). Last evaluated 2026-09-01.

Conditions:
COL18A1-related disorder. Also called: COL18A1-related disorders; COL18A1-related condition.

gnomAD v4.1: 34 of 1,548,190 alleles (0.0022%); highest among the groups gnomAD compares: East Asian, 0.029%; no homozygotes.

Submissions (2):

CeGaT Center for Human Genetics Tuebingen
Classification: Likely benign. Last evaluated: 2026-09-01. Review status: criteria provided, single submitter. Criteria: CeGaT Center For Human Genetics Tuebingen Variant Classification Criteria Version 2. Collection method: clinical testing. Allele origin: germline. Affected: yes. Observed: 1 variant allele.
Comment: COL18A1: BP4, BP7

PreventionGenetics, part of Exact Sciences
Classification: Likely benign for COL18A1-related condition. Last evaluated: 2025-11-01. Review status: criteria provided, single submitter. Criteria: ACMG Guidelines, 2015. Collection method: clinical testing. Allele origin: germline.
Comment: This variant is classified as likely benign based on ACMG/AMP sequence variant interpretation guidelines (Richards et al. 2015 PMID: 25741868, with internal and published modifications).